The following is an entry in ClinVar:

NM_000038.6(APC):c.2772A>T (p.Arg924Ser)

Gene: APC (APC regulator of Wnt signaling pathway; plus strand). Cytogenetic location: 5q22.2.
Variant type: single nucleotide variant.
Coding change: c.2772A>T on transcript NM_000038.6 (MANE Select); coding-DNA position 2772, A replaced by T.
Protein change: p.Arg924Ser; replaces arginine 924 with serine.
Molecular consequence: missense variant.
Genome position (GRCh38, 1-based): chr5:112,838,366, A>T. VCF-style: chr5-112838366-A-T. GRCh37 (hg19) VCF-style: chr5-112174063-A-T.
Other names: c.2688A>T, p.Arg896Ser (NM_001354899.2); c.2649A>T, p.Arg883Ser (NM_001354900.2); c.2595A>T, p.Arg865Ser (NM_001354901.2); c.2499A>T, p.Arg833Ser (NM_001354902.2); c.2469A>T, p.Arg823Ser (NM_001354903.2); c.1923A>T, p.Arg641Ser (NM_001354906.2); c.2394A>T, p.Arg798Ser (NM_001354904.2); c.2292A>T, p.Arg764Ser (NM_001354905.2); and 5 more; short protein forms R833S, R896S, R942S, R641S, R798S, R823S, R865S, R906S.
Identifiers: ClinVar variation 922675 (VCV000922675.6), dbSNP rs1554084440, ClinGen allele CA16027379.

ClinVar aggregate classification (germline): Uncertain significance. Review status: criteria provided, multiple submitters, no conflicts (2 of 4 stars). 2 submissions from 2 submitters: Uncertain significance (2). Last evaluated 2023-12-05.

Conditions:
Hereditary cancer-predisposing syndrome. Also called: Neoplastic Syndromes, Hereditary; Tumor predisposition; Hereditary Cancer Syndrome; Hereditary neoplastic syndrome. Identifiers: Orphanet 140162, MedGen C0027672, MeSH D009386, MONDO:0015356.

gnomAD v4.1: 7 of 1,614,202 alleles (0.00043%); highest among the groups gnomAD compares: Non-Finnish European, 0.00051%; no homozygotes.

Submissions (2):

Color Diagnostics, LLC DBA Color Health
Classification: Uncertain significance for Hereditary cancer-predisposing syndrome. Last evaluated: 2023-12-05. Review status: criteria provided, single submitter. Criteria: ACMG Guidelines, 2015. Collection method: clinical testing. Allele origin: germline.
Comment: This missense variant replaces arginine with serine at codon 924 of the APC protein. Computational prediction suggests that this variant may not impact protein structure and function (internally defined REVEL score threshold <= 0.5, PMID: 27666373). To our knowledge, functional studies have not been reported for this variant. This variant has not been reported in individuals affected with APC-related disorders in the literature. This variant has not been identified in the general population by the Genome Aggregation Database (gnomAD). The available evidence is insufficient to determine the role of this variant in disease conclusively. Therefore, this variant is classified as a Variant of Uncertain Significance.

Ambry Genetics
Classification: Uncertain significance for Hereditary cancer-predisposing syndrome. Last evaluated: 2022-02-06. Review status: criteria provided, single submitter. Criteria: Ambry Variant Classification Scheme 2023. Collection method: clinical testing. Allele origin: germline.
Comment: The p.R924S variant (also known as c.2772A>T), located in coding exon 15 of the APC gene, results from an A to T substitution at nucleotide position 2772. The arginine at codon 924 is replaced by serine, an amino acid with dissimilar properties. This amino acid position is conserved. In addition, in silico predictors for this gene do not accurately predict pathogenicity. Since supporting evidence is limited at this time, the clinical significance of this alteration remains unclear.